The following is an entry in ClinVar:

ClinVar aggregate classification (germline): Uncertain significance (1 of 4 stars; one submission).

Allele frequency attached by ClinVar (database versions not stated): gnomAD exomes 0.00002 and 0.00011; gnomAD 0.00004; TOPMed 0.00004; ExAC 0.00017; 1000 Genomes Project 0.00040; 1000 Genomes Project 30x 0.00047.
gnomAD v4.1: 34 of 1,456,918 alleles (0.0023%); highest among the groups gnomAD compares: East Asian, 0.071%; no homozygotes.

Submission:

Labcorp Genetics (formerly Invitae), Labcorp
Classification: Uncertain significance. Last evaluated: 2022-10-13. Review status: criteria provided, single submitter. Criteria: Invitae Variant Classification Sherloc (09022015). Collection method: clinical testing. Allele origin: germline.
Comment: This sequence change replaces isoleucine, which is neutral and non-polar, with methionine, which is neutral and non-polar, at codon 5053 of the PCLO protein (p.Ile5053Met). This variant is present in population databases (rs201613851, gnomAD 0.2%). This variant has not been reported in the literature in individuals affected with PCLO-related conditions. ClinVar contains an entry for this variant (Variation ID: 1409911). Algorithms developed to predict the effect of missense changes on protein structure and function are either unavailable or do not agree on the potential impact of this missense change (SIFT: "Deleterious"; PolyPhen-2: "Not Available"; Align-GVGD: "Class C0"). In summary, the available evidence is currently insufficient to determine the role of this variant in disease. Therefore, it has been classified as a Variant of Uncertain Significance.

NM_033026.6(PCLO):c.15159A>G (p.Ile5053Met)

Gene: PCLO (piccolo presynaptic cytomatrix protein; minus strand). Cytogenetic location: 7q21.11.
Variant type: single nucleotide variant.
Coding change: c.15159A>G on transcript NM_033026.6 (MANE Select); coding-DNA position 15159, A replaced by G.
Protein change: p.Ile5053Met; replaces isoleucine 5053 with methionine.
Molecular consequence: missense variant.
Genome position (GRCh38, 1-based): chr7:82,760,768, T>C on the plus strand (A>G on the coding strand, the complement: PCLO is on the minus strand). VCF-style: chr7-82760768-T-C. GRCh37 (hg19) VCF-style: chr7-82390084-T-C.
Other names: short protein forms I5053M.
Identifiers: ClinVar variation 1409911 (VCV001409911.3), dbSNP rs201613851, ClinGen allele CA4318601.